The following is an entry in ClinVar:

NM_001382391.1(CSPP1):c.188G>C (p.Arg63Thr)

Gene: CSPP1 (centrosome and spindle pole associated protein 1; plus strand). Cytogenetic location: 8q13.1.
Variant type: single nucleotide variant.
Coding change: c.188G>C on transcript NM_001382391.1 (MANE Select); coding-DNA position 188, G replaced by C.
Protein change: p.Arg63Thr; replaces arginine 63 with threonine.
Molecular consequence: missense variant.
Genome position (GRCh38, 1-based): chr8:67,076,570, G>C. VCF-style: chr8-67076570-G-C. GRCh37 (hg19) VCF-style: chr8-67988805-G-C.
Other names: c.188G>C, p.Arg63Thr (NM_001363131.2, NM_001363132.2, NM_001363133.2); c.296G>C, p.Arg99Thr (NM_001364869.1, NM_001364870.1, NM_024790.7); short protein forms R63T, R99T.
Identifiers: ClinVar variation 1348147 (VCV001348147.6), dbSNP rs752873157, ClinGen allele CA178235142.

ClinVar aggregate classification (germline): Uncertain significance (1 of 4 stars; one submission).

Conditions:
Joubert syndrome 21 (JBTS21). Identifiers: MedGen C3810212, MONDO:0014288, OMIM 615636.

Allele frequency attached by ClinVar (database versions not stated): gnomAD exomes below 0.00001; TOPMed below 0.00001.
gnomAD v4.1: 2 of 1,584,810 alleles (0.00013%); highest among the groups gnomAD compares: Admixed American, 0.0018%; no homozygotes.

Submission:

Labcorp Genetics (formerly Invitae), Labcorp
Classification: Uncertain significance for Joubert syndrome 21. Last evaluated: 2021-08-31. Review status: criteria provided, single submitter. Criteria: Invitae Variant Classification Sherloc (09022015). Collection method: clinical testing. Allele origin: germline.
Comment: This variant is not present in population databases (ExAC no frequency). This sequence change replaces arginine with threonine at codon 99 of the CSPP1 protein (p.Arg99Thr). The arginine residue is weakly conserved and there is a moderate physicochemical difference between arginine and threonine. This variant has not been reported in the literature in individuals affected with CSPP1-related conditions. In summary, the available evidence is currently insufficient to determine the role of this variant in disease. Therefore, it has been classified as a Variant of Uncertain Significance. Algorithms developed to predict the effect of missense changes on protein structure and function (SIFT, PolyPhen-2, Align-GVGD) all suggest that this variant is likely to be tolerated.